The following is an entry in ClinVar:

ClinVar aggregate classification (germline): Uncertain significance (1 of 4 stars; one submission).

Conditions:
Neutropenia, severe congenital, 2, autosomal dominant. Identifiers: Orphanet 486, MedGen C2751288, MONDO:0013139, OMIM 613107.

Submission:

Labcorp Genetics (formerly Invitae), Labcorp
Classification: Uncertain significance for Neutropenia, severe congenital, 2, autosomal dominant. Last evaluated: 2025-10-16. Review status: criteria provided, single submitter. Criteria: Invitae Variant Classification Sherloc (09022015). Collection method: clinical testing. Allele origin: germline.
Comment: This sequence change creates a premature translational stop signal (p.Gln379*) in the GFI1 gene. While this is not anticipated to result in nonsense mediated decay, it is expected to disrupt the last 44 amino acid(s) of the GFI1 protein. This variant is not present in population databases (gnomAD no frequency). This variant has not been reported in the literature in individuals affected with GFI1-related conditions. In summary, the available evidence is currently insufficient to determine the role of this variant in disease. Therefore, it has been classified as a Variant of Uncertain Significance.

NM_005263.5(GFI1):c.1135C>T (p.Gln379Ter)

Genes: GFI1 (growth factor independent 1 transcriptional repressor; minus strand), LOC129930930 (ATAC-STARR-seq lymphoblastoid active region 1314; plus strand). Cytogenetic location: 1p22.1.
Variant type: single nucleotide variant.
Coding change: c.1135C>T on transcript NM_005263.5 (MANE Select); coding-DNA position 1135, C replaced by T.
Protein change: p.Gln379Ter; replaces glutamine 379 with a stop codon.
Molecular consequence: nonsense.
Genome position (GRCh38, 1-based): chr1:92,476,163, G>A on the plus strand (C>T on the coding strand, the complement: GFI1 is on the minus strand). VCF-style: chr1-92476163-G-A. GRCh37 (hg19) VCF-style: chr1-92941720-G-A.
Other names: c.1135C>T, p.Gln379Ter (NM_001127215.3, NM_001127216.3); short protein forms Q379*.
Identifiers: ClinVar variation 4729359 (VCV004729359.1).